The following is an entry in ClinVar:

NM_002609.4(PDGFRB):c.2855C>G (p.Ser952Cys)

Gene: PDGFRB (platelet derived growth factor receptor beta; minus strand). Cytogenetic location: 5q32.
Variant type: single nucleotide variant.
Coding change: c.2855C>G on transcript NM_002609.4 (MANE Select); coding-DNA position 2855, C replaced by G.
Protein change: p.Ser952Cys; replaces serine 952 with cysteine.
Molecular consequence: missense variant.
Genome position (GRCh38, 1-based): chr5:150,118,796, G>C on the plus strand (C>G on the coding strand, the complement: PDGFRB is on the minus strand). VCF-style: chr5-150118796-G-C. GRCh37 (hg19) VCF-style: chr5-149498359-G-C.
Other names: c.2663C>G, p.Ser888Cys (NM_001355016.2); c.2372C>G, p.Ser791Cys (NM_001355017.2); c.2855C>G (NM_002609.3); short protein forms S952C, S791C, S888C.
Identifiers: ClinVar variation 2059038 (VCV002059038.6), dbSNP rs376007701, ClinGen allele CA3507499.
Genomic context (GRCh38, chr5:150,118,796, plus strand): 5'-CCTCAACATACCTTTTTGTAACCTTCGCCCAACAGTCTCTCGAGAAGCAGCACCAGCTGG[G>C]AGAAGGGGGGCCGAATCTCAAACTTCTCTTCCCAGCACTTCTGCATGATCTCATAGCTGG-3'
Protein context (NP_002600.1, residues 942-962): EEKFEIRPPF[Ser952Cys]QLVLLLERLL

ClinVar aggregate classification (germline): Uncertain significance. Review status: criteria provided, multiple submitters, no conflicts (2 of 4 stars). 3 submissions from 3 submitters: Uncertain significance (3). Last evaluated 2023-10-20.

Conditions:
PDGFRB-related disorder. Also called: PDGFRB-related condition.
Infantile myofibromatosis (IMF). Also called: Congenital generalized fibromatosis. Identifiers: Orphanet 2591, MedGen C0432284, MONDO:0016824.
Skeletal overgrowth-craniofacial dysmorphism-hyperelastic skin-white matter lesions syndrome. Also called: SKELETAL OVERGROWTH WITH FACIAL DYSMORPHISM, HYPERELASTIC SKIN, WHITE MATTER LESIONS, AND NEUROLOGIC DETERIORATION; Kosaki overgrowth syndrome. Identifiers: Orphanet 477831, MedGen C4225270, MONDO:0014704, OMIM 616592.
Acroosteolysis-keloid-like lesions-premature aging syndrome. Also called: Premature aging syndrome, Penttinen type; Prematurely aged appearance, delayed bone maturation, acro-osteolysis, and brachydactyly; Progeroid syndrome, Penttinen type. Identifiers: Orphanet 363665, MedGen C1866182, MONDO:0011150, OMIM 601812.
Basal ganglia calcification, idiopathic, 4 (PFBC4). Also called: Familial Idiopathic Basal Ganglia Calcification 4; PRIMARY FAMILIAL BRAIN CALCIFICATION 4, AUTOSOMAL DOMINANT. Identifiers: Orphanet 1980, MedGen C3554321, MONDO:0014004, OMIM 615007.

gnomAD v4.1: 16 of 1,613,624 alleles (0.00099%); highest among the groups gnomAD compares: East Asian, 0.0045%; no homozygotes.

Submissions (3):

Labcorp Genetics (formerly Invitae), Labcorp
Classification: Uncertain significance for Basal ganglia calcification, idiopathic, 4; Skeletal overgrowth-craniofacial dysmorphism-hyperelastic skin-white matter lesions syndrome; Infantile myofibromatosis; Acroosteolysis-keloid-like lesions-premature aging syndrome. Last evaluated: 2023-10-20. Review status: criteria provided, single submitter. Criteria: Invitae Variant Classification Sherloc (09022015). Collection method: clinical testing. Allele origin: germline.
Comment: This sequence change replaces serine, which is neutral and polar, with cysteine, which is neutral and slightly polar, at codon 952 of the PDGFRB protein (p.Ser952Cys). This variant is present in population databases (rs376007701, gnomAD 0.02%). This variant has not been reported in the literature in individuals affected with PDGFRB-related conditions. ClinVar contains an entry for this variant (Variation ID: 2059038). Advanced modeling of protein sequence and biophysical properties (such as structural, functional, and spatial information, amino acid conservation, physicochemical variation, residue mobility, and thermodynamic stability) performed at Invitae indicates that this missense variant is not expected to disrupt PDGFRB protein function. In summary, the available evidence is currently insufficient to determine the role of this variant in disease. Therefore, it has been classified as a Variant of Uncertain Significance.

GeneDx
Classification: Uncertain significance. Last evaluated: 2023-02-27. Review status: criteria provided, single submitter. Criteria: GeneDx Variant Classification Process June 2021. Collection method: clinical testing. Allele origin: germline. Affected: yes.
Comment: In silico analysis supports that this missense variant has a deleterious effect on protein structure/function; Has not been previously published as pathogenic or benign to our knowledge

PreventionGenetics, part of Exact Sciences
Classification: Uncertain significance for PDGFRB-related condition. Last evaluated: 2023-01-31. Review status: criteria provided, single submitter. Criteria: ACMG Guidelines, 2015. Collection method: clinical testing. Allele origin: germline.
Comment: The PDGFRB c.2855C>G variant is predicted to result in the amino acid substitution p.Ser952Cys. To our knowledge, this variant has not been reported in the literature. This variant is reported in 0.022% of alleles in individuals of East Asian descent in gnomAD, which may be too frequent for an undocumented cause of disease. Although we suspect that this variant may be benign, at this time, the clinical significance of this variant is uncertain due to the absence of conclusive functional and genetic evidence.